The following is an entry in ClinVar:

NM_032043.3(BRIP1):c.2382T>G (p.Val794=)

Gene: BRIP1 (BRCA1 interacting DNA helicase 1; minus strand). Cytogenetic location: 17q23.2.
Variant type: single nucleotide variant.
Coding change: c.2382T>G on transcript NM_032043.3 (MANE Select); coding-DNA position 2382, T replaced by G.
Protein change: p.Val794=; no amino-acid change (valine 794 retained).
Molecular consequence: synonymous variant.
Genome position (GRCh38, 1-based): chr17:61,716,061, A>C on the plus strand (T>G on the coding strand, the complement: BRIP1 is on the minus strand). VCF-style: chr17-61716061-A-C. GRCh37 (hg19) VCF-style: chr17-59793422-A-C.
Identifiers: ClinVar variation 414667 (VCV000414667.18), dbSNP rs560088455, ClinGen allele CA8690536.

ClinVar aggregate classification (germline): Benign/Likely benign. Review status: criteria provided, multiple submitters, no conflicts (2 of 4 stars). 5 submissions from 5 submitters: Benign (1); Likely benign (4). Last evaluated 2025-12-31.

Conditions:
Fanconi anemia complementation group J. Also called: BRIP1-Related Fanconi Anemia. Identifiers: Orphanet 84, MedGen C1836860, MONDO:0012187, OMIM 609054.
Familial cancer of breast. Also called: Hereditary breast cancer; BREAST CANCER, FAMILIAL; hereditary breast carcinoma. Identifiers: Orphanet 227535, MedGen C0346153, MONDO:0016419, OMIM 114480. Disease mechanism: loss of function.
Hereditary cancer-predisposing syndrome. Also called: Tumor predisposition; Neoplastic Syndromes, Hereditary; Hereditary Cancer Syndrome; Hereditary neoplastic syndrome. Identifiers: Orphanet 140162, MedGen C0027672, MeSH D009386, MONDO:0015356.

Allele frequency attached by ClinVar (database versions not stated): gnomAD 0.00001; gnomAD exomes 0.00001; ExAC 0.00002; 1000 Genomes Project 30x 0.00016; 1000 Genomes Project 0.00020.
gnomAD v4.1: 5 of 1,565,466 alleles (0.00032%); highest among the groups gnomAD compares: South Asian, 0.0061%; no homozygotes.

Submissions (5):

Labcorp Genetics (formerly Invitae), Labcorp
Classification: Likely benign for Familial cancer of breast; Fanconi anemia complementation group J. Last evaluated: 2025-12-31. Review status: criteria provided, single submitter. Criteria: Invitae Variant Classification Sherloc (09022015). Collection method: clinical testing. Allele origin: germline.

Myriad Genetics, Inc.
Classification: Benign for Familial cancer of breast. Last evaluated: 2024-09-04. Review status: criteria provided, single submitter. Criteria: Myriad Autosomal Dominant, Autosomal Recessive and X-Linked Classification Criteria (2023). Collection method: clinical testing. Allele origin: unknown.
Comment: This variant is considered benign. This variant is a silent/synonymous amino acid change and it is not expected to impact splicing.

Ambry Genetics
Classification: Likely benign for Hereditary cancer-predisposing syndrome. Last evaluated: 2022-07-27. Review status: criteria provided, single submitter. Criteria: Ambry Variant Classification Scheme 2023. Collection method: clinical testing. Allele origin: germline.

Sema4
Classification: Likely benign for Hereditary cancer-predisposing syndrome. Last evaluated: 2022-01-25. Review status: criteria provided, single submitter. Criteria: Sema4 Curation Guidelines. Collection method: curation. Allele origin: germline.

Color Diagnostics, LLC DBA Color Health
Classification: Likely benign for Hereditary cancer-predisposing syndrome. Last evaluated: 2016-09-27. Review status: criteria provided, single submitter. Criteria: ACMG Guidelines, 2015. Collection method: clinical testing. Allele origin: germline.